The following is an entry in ClinVar:

ClinVar aggregate classification (germline): Likely benign. Review status: criteria provided, single submitter (1 of 4 stars). 2 submissions from 2 submitters: Likely benign (1). 1 of the submissions does not count toward it. Last evaluated 2024-01-31.

Conditions:
CEP290-related disorder. Also called: CEP290-related condition; CEP290-related disorders. Identifiers: MedGen CN239314.
Joubert syndrome. Also called: CEREBELLOPARENCHYMAL DISORDER IV; JOUBERT-BOLTSHAUSER SYNDROME; Familial aplasia of the vermis. Identifiers: Orphanet 475, MedGen C5979921, MONDO:0018772.
Meckel-Gruber syndrome. Also called: Dysencephalia splachnocystica; DYSENCEPHALIA SPLANCHNOCYSTICA; GRUBER SYNDROME. Identifiers: Orphanet 564, MedGen C0265215, MONDO:0018921.
Nephronophthisis. Also called: Juvenile Nephronophthisis. Identifiers: Orphanet 655, MedGen C0687120, MONDO:0019005, HP:0000090.

Allele frequency attached by ClinVar (database versions not stated): gnomAD exomes below 0.00001 and 0.00001; TOPMed 0.00001; gnomAD 0.00002.
gnomAD v4.1: 4 of 1,553,926 alleles (0.00026%); highest among the groups gnomAD compares: East Asian, 0.0047%; no homozygotes.

Submissions (2):

Labcorp Genetics (formerly Invitae), Labcorp
Classification: Likely benign for Joubert syndrome; Meckel-Gruber syndrome; Nephronophthisis. Last evaluated: 2024-01-31. Review status: criteria provided, single submitter. Criteria: Invitae Variant Classification Sherloc (09022015). Collection method: clinical testing. Allele origin: germline.

PreventionGenetics, part of Exact Sciences
Classification: Likely benign for CEP290-related condition. Last evaluated: 2023-04-05. Review status: no assertion criteria provided. Collection method: clinical testing. Allele origin: germline. Not counted in ClinVar's aggregate classification.
Comment: This variant is classified as likely benign based on ACMG/AMP sequence variant interpretation guidelines (Richards et al. 2015 PMID: 25741868, with internal and published modifications).

NM_025114.4(CEP290):c.6444T>C (p.Asn2148=)

Gene: CEP290 (centrosomal protein 290; minus strand). Cytogenetic location: 12q21.32.
Variant type: single nucleotide variant.
Coding change: c.6444T>C on transcript NM_025114.4 (MANE Select); coding-DNA position 6444, T replaced by C.
Protein change: p.Asn2148=; no amino-acid change (asparagine 2148 retained).
Molecular consequence: synonymous variant.
Genome position (GRCh38, 1-based): chr12:88,060,908, A>G on the plus strand (T>C on the coding strand, the complement: CEP290 is on the minus strand). VCF-style: chr12-88060908-A-G. GRCh37 (hg19) VCF-style: chr12-88454685-A-G.
Identifiers: ClinVar variation 719927 (VCV000719927.12), dbSNP rs368101871, ClinGen allele CA241147778.
Genomic context (GRCh38, chr12:88,060,908, plus strand): 5'-CTGCTCAATATTAGCCATTTTTTCACTAGTCAATATTCCTGATGCTTTTTTCAACTGTTC[A>G]TTTTCTCTCTGGACTTTTTCAACTACTTTTTTCATTAAACCAATGGTTTTTTCCAGTTCT-3'
Protein context (NP_079390.3, residues 2138-2158): KKVVEKVQRE[Asn2148=]EQLKKASGIL